The following is an entry in ClinVar:

NM_014974.3(DIP2C):c.4045-2dup

Gene: DIP2C (DIP2 acetate--CoA ligase C (putative); minus strand). Cytogenetic location: 10p15.3.
Variant type: Duplication.
Coding change: c.4045-2dup on transcript NM_014974.3 (MANE Select); the canonical splice acceptor site of the intron before coding-DNA position 4045, one base duplicated (A; older notation c.4045-2dupA).
Molecular consequence: splice acceptor variant.
Genome position (GRCh38, 1-based): chr10:286,349, T duplicated on the plus strand (A on the coding strand, the reverse complement: DIP2C is on the minus strand). VCF-style (leftmost placement, unchanged base first): chr10-286348-C-CT. GRCh37 (hg19) VCF-style: chr10-332288-C-CT.
Identifiers: ClinVar variation 3723808 (VCV003723808.2).

ClinVar aggregate classification (germline): Uncertain significance (1 of 4 stars; one submission).

Submission:

Labcorp Genetics (formerly Invitae), Labcorp
Classification: Uncertain significance. Last evaluated: 2024-10-26. Review status: criteria provided, single submitter. Criteria: Invitae Variant Classification Sherloc (09022015). Collection method: clinical testing. Allele origin: germline.
Comment: This sequence change falls in intron 33 of the DIP2C gene. It does not directly change the encoded amino acid sequence of the DIP2C protein. It affects a nucleotide within the consensus splice site. This variant is not present in population databases (gnomAD no frequency). This variant has not been reported in the literature in individuals affected with DIP2C-related conditions. Variants that disrupt the consensus splice site are a relatively common cause of aberrant splicing (PMID: 17576681, 9536098). In summary, the available evidence is currently insufficient to determine the role of this variant in disease. Therefore, it has been classified as a Variant of Uncertain Significance.

Literature cited by the submitters: PubMed 17576681; PubMed 9536098.